The following is an entry in ClinVar:

NM_001387690.1(KATNAL2):c.1111G>A (p.Glu371Lys)

Gene: KATNAL2 (katanin catalytic subunit A1 like 2; plus strand). Cytogenetic location: 18q21.1.
Variant type: single nucleotide variant.
Coding change: c.1111G>A on transcript NM_001387690.1 (MANE Select); coding-DNA position 1111, G replaced by A.
Protein change: p.Glu371Lys; replaces glutamic acid 371 with lysine.
Molecular consequence: missense variant. On other transcripts: non-coding transcript variant (1).
Genome position (GRCh38, 1-based): chr18:47,077,361, G>A. VCF-style: chr18-47077361-G-A. GRCh37 (hg19) VCF-style: chr18-44603732-G-A.
Other names: c.1189G>A, p.Glu397Lys (NM_001353899.1); c.1186G>A, p.Glu396Lys (NM_001353900.1); c.1111G>A, p.Glu371Lys (NM_001353901.1, NM_001367621.1); c.1090G>A, p.Glu364Lys (NM_001353902.1); c.778G>A, p.Glu260Lys (NM_001353903.1, NM_001353905.1, NM_001353906.1 and 1 more transcripts); c.679G>A, p.Glu227Lys (NM_001353904.1, NM_001353908.1, NM_001353909.1); c.895G>A, p.Glu299Lys (NM_031303.3); short protein forms E227K, E260K, E299K, E364K, E371K, E396K, E397K.
Identifiers: ClinVar variation 2637154 (VCV002637154.2), dbSNP rs2062286871, ClinGen allele CA402383605.

ClinVar aggregate classification (germline): Uncertain significance (0 of 4 stars; one submission).

Conditions:
KATNAL2-related disorder. Also called: KATNAL2-related condition.

Allele frequency attached by ClinVar (database versions not stated): gnomAD exomes below 0.00001; TOPMed below 0.00001.
gnomAD v4.1: 2 of 1,613,500 alleles (0.00012%); highest among the groups gnomAD compares: Admixed American, 0.0033%; no homozygotes.

Submission:

PreventionGenetics, part of Exact Sciences
Classification: Uncertain significance for KATNAL2-related condition. Last evaluated: 2024-07-30. Review status: no assertion criteria provided. Collection method: clinical testing. Allele origin: germline.
Comment: The KATNAL2 c.895G>A variant is predicted to result in the amino acid substitution p.Glu299Lys. To our knowledge, this variant has not been reported in the literature or in a large population database, indicating this variant is rare. At this time, the clinical significance of this variant is uncertain due to the absence of conclusive functional and genetic evidence.